The following is an entry in ClinVar:

ClinVar aggregate classification (germline): Uncertain significance (1 of 4 stars; one submission).

Conditions:
Hereditary cancer-predisposing syndrome. Also called: Neoplastic Syndromes, Hereditary; Tumor predisposition; Hereditary Cancer Syndrome; Hereditary neoplastic syndrome. Identifiers: Orphanet 140162, MedGen C0027672, MeSH D009386, MONDO:0015356.

Submission:

Ambry Genetics
Classification: Uncertain significance for Hereditary cancer-predisposing syndrome. Last evaluated: 2019-07-02. Review status: criteria provided, single submitter. Criteria: Ambry Variant Classification Scheme 2023. Collection method: clinical testing. Allele origin: germline.
Comment: The p.G56R variant (also known as c.166G>C), located in coding exon 3 of the MUTYH gene, results from a G to C substitution at nucleotide position 166. The glycine at codon 56 is replaced by arginine, an amino acid with dissimilar properties. This amino acid position is not well conserved in available vertebrate species. In addition, this alteration is predicted to be tolerated by in silico analysis. Since supporting evidence is limited at this time, the clinical significance of this alteration remains unclear.

NM_001128425.2(MUTYH):c.166G>C (p.Gly56Arg)

Gene: MUTYH (mutY DNA glycosylase; minus strand). Cytogenetic location: 1p34.1.
Variant type: single nucleotide variant.
Coding change: c.166G>C on transcript NM_001128425.2 (MANE Plus Clinical); coding-DNA position 166, G replaced by C.
Protein change: p.Gly56Arg; replaces glycine 56 with arginine.
Molecular consequence: missense variant. On other transcripts: 5 prime UTR variant (1), intron variant (24), splice acceptor variant (4).
Genome position (GRCh38, 1-based): chr1:45,333,595, C>G on the plus strand (G>C on the coding strand, the complement: MUTYH is on the minus strand). VCF-style: chr1-45333595-C-G. GRCh37 (hg19) VCF-style: chr1-45799267-C-G.
Other names: c.-3G>C (NM_001407075.1); c.124G>C, p.Gly42Arg (NM_001407083.1, NM_001407085.1); c.116-34G>C (NM_001407072.1, NM_001048171.2, NM_001407070.1 and 7 more transcripts); c.-92-98G>C (NM_001350651.2, NM_001407082.1); c.-97-98G>C (NM_001293192.2, NM_001293196.2, NM_001407091.1); c.-156-34G>C (NM_001350650.2); c.158-34G>C (NM_001407073.1); c.158-31G>C (NM_001293190.2); and 4 more; short protein forms G56R, G42R.
Identifiers: ClinVar variation 819788 (VCV000819788.4), dbSNP rs1060501331, ClinGen allele CA340136838.